The following is an entry in ClinVar:

ClinVar aggregate classification (germline): Uncertain significance (1 of 4 stars; one submission).

Conditions:
Cardiovascular phenotype. Identifiers: MedGen CN230736.

Submission:

Ambry Genetics
Classification: Uncertain significance for Cardiovascular phenotype. Last evaluated: 2026-09-12. Review status: criteria provided, single submitter. Criteria: Ambry Variant Classification Scheme 2023. Collection method: clinical testing. Allele origin: germline.
Comment: The p.P865S variant (also known as c.2593C>T), located in coding exon 15 of the EPHB4 gene, results from a C to T substitution at nucleotide position 2593. The proline at codon 865 is replaced by serine, an amino acid with similar properties. This amino acid position is conserved. In addition, this alteration is predicted to be deleterious by in silico analysis. Based on the available evidence, the clinical significance of this variant remains unclear.

NM_004444.5(EPHB4):c.2593C>T (p.Pro865Ser)

Genes: EPHB4 (EPH receptor B4; minus strand), LOC126860124 (CDK7 strongly-dependent group 2 enhancer GRCh37_chr7:100403701-100404900; plus strand). Cytogenetic location: 7q22.1.
Variant type: single nucleotide variant.
Coding change: c.2593C>T on transcript NM_004444.5 (MANE Select); coding-DNA position 2593, C replaced by T.
Protein change: p.Pro865Ser; replaces proline 865 with serine.
Molecular consequence: missense variant.
Genome position (GRCh38, 1-based): chr7:100,805,586, G>A on the plus strand (C>T on the coding strand, the complement: EPHB4 is on the minus strand). VCF-style: chr7-100805586-G-A. GRCh37 (hg19) VCF-style: chr7-100403208-G-A.
Other names: short protein forms P865S.
Identifiers: ClinVar variation 5036056 (VCV005036056.1).
Genomic context (GRCh38, chr7:100,805,586, plus strand): 5'-TGAGGCTGGCGGGGTTCCGGATCATCTTGTCCAGGGCGCTGACCACCTGGGGGAAGCGGG[G>A]CCGGGCATTCCGGTCTTTCTGCCAACAGTCCAGCATGAGCTGGTGGAGGGAGGTGGGACA-3'
Protein context (NP_004435.3, residues 855-875): DCWQKDRNAR[Pro865Ser]RFPQVVSALD